The following is an entry in ClinVar:

ClinVar aggregate classification (germline): Uncertain significance (1 of 4 stars; one submission).

Conditions:
Inborn genetic diseases. Identifiers: MedGen C0950123, MeSH D030342.

Allele frequency attached by ClinVar (database versions not stated): gnomAD 0.00001; gnomAD exomes 0.00001; ExAC 0.00002; TOPMed 0.00004; ESP Exome Variant Server 0.00008.
gnomAD v4.1: 14 of 1,613,918 alleles (0.00087%); highest among the groups gnomAD compares: Middle Eastern, 0.016%; no homozygotes.

Submission:

Ambry Genetics
Classification: Uncertain significance for Inborn genetic diseases. Last evaluated: 2021-03-08. Review status: criteria provided, single submitter. Criteria: Ambry Variant Classification Scheme 2023. Collection method: clinical testing. Allele origin: germline.
Comment: The c.13928G>A (p.R4643H) alteration is located in exon 17 (coding exon 17) of the FAT4 gene. This alteration results from a G to A substitution at nucleotide position 13928, causing the arginine (R) at amino acid position 4643 to be replaced by a histidine (H). The in silico prediction for the p.R4643H alteration is inconclusive. Based on insufficient or conflicting evidence, the clinical significance of this alteration remains unclear.

NM_001291303.3(FAT4):c.13934G>A (p.Arg4645His)

Gene: FAT4 (FAT atypical cadherin 4; plus strand). Cytogenetic location: 4q28.1.
Variant type: single nucleotide variant.
Coding change: c.13934G>A on transcript NM_001291303.3 (MANE Select); coding-DNA position 13934, G replaced by A.
Protein change: p.Arg4645His; replaces arginine 4645 with histidine.
Molecular consequence: missense variant.
Genome position (GRCh38, 1-based): chr4:125,490,750, G>A. VCF-style: chr4-125490750-G-A. GRCh37 (hg19) VCF-style: chr4-126411905-G-A.
Other names: c.13931G>A, p.Arg4644His (NM_001291285.3); c.13928G>A, p.Arg4643His (NM_024582.6); short protein forms R4645H, R4643H, R4644H.
Identifiers: ClinVar variation 2229429 (VCV002229429.2), dbSNP rs147961375, ClinGen allele CA3074473.